The following is an entry in ClinVar:

ClinVar aggregate classification (germline): Uncertain significance (1 of 4 stars; one submission).

Conditions:
Aortic aneurysm, familial thoracic 7 (AAT7). Also called: AORTIC DISSECTION, FAMILIAL, WITH OR WITHOUT AORTIC ANEURYSM. Identifiers: MedGen C3151077, MONDO:0013418, OMIM 613780.

Allele frequency attached by ClinVar (database versions not stated): gnomAD 0.00001 and 0.00003; gnomAD exomes 0.00002; TOPMed 0.00003; 1000 Genomes Project 30x 0.00016; 1000 Genomes Project 0.00020.
gnomAD v4.1: 17 of 1,614,082 alleles (0.0011%); highest among the groups gnomAD compares: East Asian, 0.038%; no homozygotes.

Submission:

Labcorp Genetics (formerly Invitae), Labcorp
Classification: Uncertain significance for Aortic aneurysm, familial thoracic 7. Last evaluated: 2025-06-14. Review status: criteria provided, single submitter. Criteria: Invitae Variant Classification Sherloc (09022015). Collection method: clinical testing. Allele origin: germline.
Comment: This sequence change falls in intron 16 of the MYLK gene. It does not directly change the encoded amino acid sequence of the MYLK protein. It affects a nucleotide within the consensus splice site. This variant is present in population databases (rs569003916, gnomAD 0.03%). This variant has been observed in individual(s) with MYLK-related conditions (PMID: 36517271). ClinVar contains an entry for this variant (Variation ID: 1499537). Variants that disrupt the consensus splice site are a relatively common cause of aberrant splicing (PMID: 17576681, 9536098). Algorithms developed to predict the effect of sequence changes on RNA splicing suggest that this variant may disrupt the consensus splice site. In summary, the available evidence is currently insufficient to determine the role of this variant in disease. Therefore, it has been classified as a Variant of Uncertain Significance.

Literature cited by the submitters: PubMed 36517271; PubMed 17576681; PubMed 9536098.

NM_053025.4(MYLK):c.2390+6T>C

Gene: MYLK (myosin light chain kinase; minus strand). Cytogenetic location: 3q21.1.
Variant type: single nucleotide variant.
Coding change: c.2390+6T>C on transcript NM_053025.4 (MANE Select); 6 bases into the intron after coding-DNA position 2390, T replaced by C.
Molecular consequence: intron variant.
Genome position (GRCh38, 1-based): chr3:123,707,748, A>G on the plus strand (T>C on the coding strand, the complement: MYLK is on the minus strand). VCF-style: chr3-123707748-A-G. GRCh37 (hg19) VCF-style: chr3-123426595-A-G.
Other names: c.1862+6T>C (NM_001321309.2); c.2183+6T>C (NM_053028.4, NM_053026.4); c.2390+6T>C (NM_053027.4).
Identifiers: ClinVar variation 1499537 (VCV001499537.4), dbSNP rs569003916, ClinGen allele CA82928935.
Genomic context (GRCh38, chr3:123,707,748, plus strand): 5'-CAGGTTAGGGGAGCTAGGAATTTGGAGGGAAGGGTTAAGGGAGGCTGGCTGGACATGCAG[A>G]CTCACTTGAGCAGGATCTCATACTGGCCGGCATGCCAGGGCTGCACCTTCTTTAGAACCA-3'